The following is an entry in ClinVar:

ClinVar aggregate classification (germline): Uncertain significance (1 of 4 stars; one submission).

Submission:

Labcorp Genetics (formerly Invitae), Labcorp
Classification: Uncertain significance. Last evaluated: 2023-06-27. Review status: criteria provided, single submitter. Criteria: Invitae Variant Classification Sherloc (09022015). Collection method: clinical testing. Allele origin: germline.
Comment: This sequence change replaces serine, which is neutral and polar, with tyrosine, which is neutral and polar, at codon 112 of the SPP2 protein (p.Ser112Tyr). This variant is not present in population databases (gnomAD no frequency). In summary, the available evidence is currently insufficient to determine the role of this variant in disease. Therefore, it has been classified as a Variant of Uncertain Significance. An algorithm developed to predict the effect of missense changes on protein structure and function (PolyPhen-2) suggests that this variant is likely to be tolerated. This variant has not been reported in the literature in individuals affected with SPP2-related conditions.

NM_006944.3(SPP2):c.335C>A (p.Ser112Tyr)

Gene: SPP2 (secreted phosphoprotein 2; plus strand). Cytogenetic location: 2q37.1.
Variant type: single nucleotide variant.
Coding change: c.335C>A on transcript NM_006944.3 (MANE Select); coding-DNA position 335, C replaced by A.
Protein change: p.Ser112Tyr; replaces serine 112 with tyrosine.
Molecular consequence: missense variant.
Genome position (GRCh38, 1-based): chr2:234,060,370, C>A. VCF-style: chr2-234060370-C-A. GRCh37 (hg19) VCF-style: chr2-234969014-C-A.
Other names: short protein forms S112Y.
Identifiers: ClinVar variation 2814249 (VCV002814249.3), dbSNP rs952488913, ClinGen allele CA351102998.